The following is an entry in ClinVar:

NM_000142.5(FGFR3):c.630G>T (p.Gln210His)

Gene: FGFR3 (fibroblast growth factor receptor 3; plus strand). Cytogenetic location: 4p16.3.
Variant type: single nucleotide variant.
Coding change: c.630G>T on transcript NM_000142.5 (MANE Select); coding-DNA position 630, G replaced by T.
Protein change: p.Gln210His; replaces glutamine 210 with histidine.
Molecular consequence: missense variant. On other transcripts: non-coding transcript variant (1).
Genome position (GRCh38, 1-based): chr4:1,801,634, G>T. VCF-style: chr4-1801634-G-T. GRCh37 (hg19) VCF-style: chr4-1803361-G-T.
Other names: c.630G>T, p.Gln210His (NM_001163213.2, NM_001354809.2, NM_001354810.2 and 1 more transcripts); short protein forms Q210H.
Identifiers: ClinVar variation 4985628 (VCV004985628.1).

ClinVar aggregate classification (germline): Uncertain significance (1 of 4 stars; one submission).

Conditions:
FGFR3-related disorder. Also called: FGFR3-related disorders.

Submission:

PreventionGenetics, part of Exact Sciences
Classification: Uncertain significance for FGFR3-related condition. Last evaluated: 2026-08-18. Review status: criteria provided, single submitter. Criteria: ACMG Guidelines, 2015. Collection method: clinical testing. Allele origin: germline.
Comment: The FGFR3 c.630G>T variant is predicted to result in the amino acid substitution p.Gln210His. To our knowledge, this variant has not been reported in the literature. This variant is reported in 0.00081% of alleles in individuals of European (Non-Finnish) descent in gnomAD. At this time, the clinical significance of this variant is uncertain due to the absence of conclusive functional and genetic evidence.